The following is an entry in ClinVar:

ClinVar aggregate classification (germline): Uncertain significance (1 of 4 stars; one submission).

Submission:

GeneDx
Classification: Uncertain significance. Last evaluated: 2019-07-12. Review status: criteria provided, single submitter. Criteria: GeneDx Variant Classification Process June 2021. Collection method: clinical testing. Allele origin: germline. Affected: yes.
Comment: Not observed in large population cohorts (Lek et al., 2016); Frameshift variant predicted to result in protein truncation or nonsense mediated decay in a gene for which loss-of-function is not a known mechanism of disease; Has not been previously published as pathogenic or benign to our knowledge

NM_005631.5(SMO):c.531del (p.Cys178fs)

Gene: SMO (smoothened, frizzled class receptor; plus strand). Cytogenetic location: 7q32.1.
Variant type: Deletion.
Coding change: c.531del on transcript NM_005631.5 (MANE Select); coding-DNA position 531, one base deleted (C; older notation c.531delC).
Protein change: p.Cys178fs; shifts the reading frame from cysteine 178.
Molecular consequence: frameshift variant.
Genome position (GRCh38, 1-based): chr7:129,203,583, C deleted. VCF-style (leftmost placement, unchanged base first): chr7-129203582-GC-G. GRCh37 (hg19) VCF-style: chr7-128843423-GC-G.
Other names: short protein forms C178fs.
Identifiers: ClinVar variation 1317405 (VCV001317405.2), dbSNP rs2150646953, ClinGen allele CA2573052822.